The following is an entry in ClinVar:

ClinVar aggregate classification (germline): Benign/Likely benign. Review status: criteria provided, multiple submitters, no conflicts (2 of 4 stars). 2 submissions from 2 submitters: Benign (1); Likely benign (1). Last evaluated 2024-10-02.

Conditions:
Hereditary cancer-predisposing syndrome. Also called: Hereditary Cancer Syndrome; Neoplastic Syndromes, Hereditary; Tumor predisposition; Hereditary neoplastic syndrome. Identifiers: Orphanet 140162, MedGen C0027672, MeSH D009386, MONDO:0015356.
Familial cancer of breast. Also called: BREAST CANCER, FAMILIAL; Hereditary breast cancer; hereditary breast carcinoma. Identifiers: Orphanet 227535, MedGen C0346153, MONDO:0016419, OMIM 114480. Disease mechanism: loss of function.

gnomAD v4.1: 2 of 1,613,992 alleles (0.00012%); highest among the groups gnomAD compares: Non-Finnish European, 0.000085%; no homozygotes.

Submissions (2):

Myriad Genetics, Inc.
Classification: Benign for Familial cancer of breast. Last evaluated: 2024-10-02. Review status: criteria provided, single submitter. Criteria: Myriad Autosomal Dominant, Autosomal Recessive and X-Linked Classification Criteria (2023). Collection method: clinical testing. Allele origin: unknown.
Comment: This variant is considered benign. This variant is a silent/synonymous amino acid change and it is not expected to impact splicing.

Ambry Genetics
Classification: Likely benign for Hereditary cancer-predisposing syndrome. Last evaluated: 2021-10-08. Review status: criteria provided, single submitter. Criteria: Ambry Variant Classification Scheme 2023. Collection method: clinical testing. Allele origin: germline.

NM_007194.4(CHEK2):c.534A>C (p.Gly178=)

Gene: CHEK2 (checkpoint kinase 2; minus strand). Cytogenetic location: 22q12.1.
Variant type: single nucleotide variant.
Coding change: c.534A>C on transcript NM_007194.4 (MANE Select); coding-DNA position 534, A replaced by C.
Protein change: p.Gly178=; no amino-acid change (glycine 178 retained).
Molecular consequence: synonymous variant. On other transcripts: 5 prime UTR variant (2), intron variant (1).
Genome position (GRCh38, 1-based): chr22:28,725,035, T>G on the plus strand (A>C on the coding strand, the complement: CHEK2 is on the minus strand). VCF-style: chr22-28725035-T-G. GRCh37 (hg19) VCF-style: chr22-29121023-T-G.
Other names: c.663A>C, p.Gly221= (NM_001005735.3, NM_001438294.1); c.-244A>C (NM_001257387.3); c.-130A>C (NM_001437942.1); c.627A>C, p.Gly209= (NM_001438293.1, NM_001438295.1); c.534A>C, p.Gly178= (NM_145862.3); c.445-112A>C (NM_001349956.3).
Identifiers: ClinVar variation 1746968 (VCV001746968.3), dbSNP rs554465930, ClinGen allele CA10167985.
Genomic context (GRCh38, chr22:28,725,035, plus strand): 5'-ACCTTTATTTCTGCTTAGTGACAGTGCAATTTCAGAATTGTTATTCAAAGGACGGCGTTT[T>G]CCTTTCCCTACAAGCTCTGTATTTACAAAGGTTCCATTGCCACTGTGATCTTCTATGTAT-3'
Protein context (NP_009125.1, residues 168-188): TFVNTELVGK[Gly178=]KRRPLNNNSE